The following is an entry in ClinVar:

NM_004036.5(ADCY3):c.3423G>A (p.Val1141=)

Genes: ADCY3 (adenylate cyclase 3; minus strand), CENPO (centromere protein O; plus strand). Cytogenetic location: 2p23.3.
Variant type: single nucleotide variant.
Coding change: c.3423G>A on transcript NM_004036.5 (MANE Select); coding-DNA position 3423, G replaced by A.
Protein change: p.Val1141=; no amino-acid change (valine 1141 retained).
Molecular consequence: synonymous variant. On other transcripts: 3 prime UTR variant (4), non-coding transcript variant (3).
Genome position (GRCh38, 1-based): chr2:24,819,944, C>T on the plus strand (G>A on the coding strand, the complement: ADCY3 is on the minus strand). VCF-style: chr2-24819944-C-T. GRCh37 (hg19) VCF-style: chr2-25042813-C-T.
Other names: c.3426G>A, p.Val1142= (NM_001320613.2); c.3489G>A, p.Val1163= (NM_001377128.1); c.3285G>A, p.Val1095= (NM_001377129.1); c.*164G>A (NM_001377130.1); c.2700G>A, p.Val900= (NM_001377131.1); c.3423G>A, p.Val1141= (NM_001377132.1); c.*626C>T (NM_001199803.3, NM_001322101.2, NM_024322.4).
Identifiers: ClinVar variation 3357334 (VCV003357334.1).

ClinVar aggregate classification (germline): Likely benign (0 of 4 stars; one submission).

Conditions:
ADCY3-related disorder. Also called: ADCY3-related condition.

gnomAD v4.1: 15 of 1,613,750 alleles (0.00093%); highest among the groups gnomAD compares: African/African-American, 0.012%; no homozygotes.

Submission:

PreventionGenetics, part of Exact Sciences
Classification: Likely benign for ADCY3-related condition. Last evaluated: 2019-10-25. Review status: no assertion criteria provided. Collection method: clinical testing. Allele origin: germline.
Comment: This variant is classified as likely benign based on ACMG/AMP sequence variant interpretation guidelines (Richards et al. 2015 PMID: 25741868, with internal and published modifications).